The following is an entry in ClinVar:

NM_000487.6(ARSA):c.465+1G>A

Gene: ARSA (arylsulfatase A; minus strand). Cytogenetic location: 22q13.33.
Variant type: single nucleotide variant.
Coding change: c.465+1G>A on transcript NM_000487.6 (MANE Select); the canonical splice donor site of the intron after coding-DNA position 465, G replaced by A.
Molecular consequence: splice donor variant.
Genome position (GRCh38, 1-based): chr22:50,627,165, C>T on the plus strand (G>A on the coding strand, the complement: ARSA is on the minus strand). VCF-style: chr22-50627165-C-T. GRCh37 (hg19) VCF-style: chr22-51065593-C-T.
Other names: allele I; IVS2+1G>A; IVS2DS, G-A, +1; c.207+1G>A (NM_001362782.2, NM_001085428.3); c.465+1G>A (NM_001085427.3, NM_001085426.3, NM_001085425.3).
Identifiers: ClinVar variation 3051 (VCV000003051.117), dbSNP rs80338815, ClinGen allele CA215122.

ClinVar aggregate classification (germline): Pathogenic. Review status: criteria provided, multiple submitters, no conflicts (2 of 4 stars). 49 submissions from 48 submitters: Pathogenic (40). 9 of the submissions do not count toward it. Last evaluated 2026-09-17.

Conditions:
ARSA-related disorder. Also called: ARSA-related condition.
Inborn genetic diseases. Identifiers: MedGen C0950123, MeSH D030342.
Neurodevelopmental disorder. Identifiers: MedGen C1535926, MeSH D065886, MONDO:0700092.
Metachromatic leukodystrophy, juvenile type. Also called: Metachromatic leukodystrophy, juvenile form. Identifiers: Orphanet 309263, MedGen C0751276, MONDO:0009591.
Metachromatic leukodystrophy, adult type. Also called: Metachromatic leukodystrophy, adult form. Identifiers: Orphanet 309271, MedGen C0751279, MONDO:0017730.
Metachromatic leukodystrophy (MLD). Also called: METACHROMATIC LEUKOENCEPHALOPATHY; ARSA DEFICIENCY; CEREBROSIDE SULFATASE DEFICIENCY; SULFATIDE LIPIDOSIS; Arylsulfatase A Deficiency; Cerebral sclerosis diffuse metachromatic form. Identifiers: Orphanet 512, MedGen C0023522, MONDO:0018868, OMIM 250100.
Intellectual disability. Also called: Intellectual developmental disorder; Intellectual functioning disability; intellectual disabilities. Identifiers: MedGen C3714756, MeSH D008607, MONDO:0001071, HP:0001249.

Allele frequency attached by ClinVar (database versions not stated): TOPMed 0.00042; gnomAD 0.00043 and 0.00046; gnomAD exomes 0.00065 and 0.00087; ExAC 0.00079.
gnomAD v4.1: 1,312 of 1,609,324 alleles (0.082%); highest among the groups gnomAD compares: Non-Finnish European, 0.1%; no homozygotes.

Submissions 1 to 8 of 56:

Laboratory of Experimental Gene Therapy of Hereditary Metabolic Diseases, Research Centre for Medical Genetics
Classification: Pathogenic for Metachromatic leukodystrophy. Last evaluated: 2026-09-17. Review status: criteria provided, single submitter. Criteria: ARSA MLD Assertion Criteria V2 2026 09 18. Collection method: clinical testing. Allele origin: germline. Inheritance: Autosomal recessive inheritance. Observed: 34 variant alleles, 1 heterozygote, 28 compound heterozygotes, 5 homozygotes.
Comment: The previously reported Pathogenic classification was reviewed and retained for the accompanying study. External ClinVar record reviewed: VCV000003051.113. Observations from the present referral series were not used to establish pathogenicity.

PreventionGenetics, part of Exact Sciences
Classification: Pathogenic for ARSA-related condition. Last evaluated: 2026-08-18. Review status: criteria provided, single submitter. Criteria: ACMG Guidelines, 2015. Collection method: clinical testing. Allele origin: germline.
Comment: The ARSA c.465+1G>A variant is predicted to disrupt the GT donor site and interfere with normal splicing. This variant has been documented in both the homozygous and compound heterozygous states as causative for metachromatic leukodystrophy in numerous patients (Polten et al. 1991. PubMed ID: 1670590; legacy nomenclature: c.459+1G>A, or “I allele”; Gort et al. 1999. PubMed ID: 10477432; Beerepoot et al. 2020. PubMed ID: 32632536). Functional studies support the deleterious effect of this variant (Biffi et al. 2008. PubMed ID: 18786133). This variant is reported in 0.12% of alleles in individuals of European (non-Finnish) descent in gnomAD, and it is consistently interpreted as pathogenic in ClinVar (Variation ID: 3051). Variants that disrupt a consensus splice donor site in ARSA are expected to be pathogenic. This variant is interpreted as pathogenic.

Victorian Clinical Genetics Services, Murdoch Childrens Research Institute
Classification: Pathogenic for Metachromatic leukodystrophy. Last evaluated: 2026-06-12. Review status: criteria provided, single submitter. Criteria: ACMG Guidelines, 2015. Collection method: clinical testing. Allele origin: germline. Affected: yes.
Comment: This variant is classified as Pathogenic. Evidence in support of pathogenic classification: Splice site variant proven to affect splicing of the transcript with uncertain effect on protein sequence. The exact protein consequence is unknown; however, analysis of patient cells showed no residual protein (PMID: 1670590); Variant is present in gnomAD <0.01 for a recessive condition (v4: 1312 heterozygote(s), 0 homozygote(s)); This variant has strong previous evidence of pathogenicity in many unrelated individuals with metachromatic leukodystrophy (ClinVar, PMID: 28923328); Another canonical splice site variant (c.465+2T>A) has moderate previous evidence for pathogenicity, and has been reported as likely pathogenic (ClinVar). Additional information: This variant is heterozygous; This gene is associated with autosomal recessive disease; Loss of function is a known mechanism of disease in this gene and is associated with metachromatic leukodystrophy (MIM#250100); Inheritance information for this variant is not currently available in this individual.

Ambry Genetics
Classification: Pathogenic for Inborn genetic diseases. Last evaluated: 2026-04-28. Review status: criteria provided, single submitter. Criteria: Ambry Variant Classification Scheme 2023. Collection method: clinical testing. Allele origin: germline.
Comment: The c.465+1G>A intronic variant results from a G to A substitution one nucleotide after coding exon 2 of the ARSA gene. Variants that disrupt the canonical splice site are expected to cause aberrant splicing, resulting in an abnormal protein or a transcript that is subject to nonsense-mediated mRNA decay. Based on data from gnomAD, the A allele has an overall frequency of 0.062% (168/271628) total alleles studied. The highest observed frequency was 0.115% (140/121592) of European (non-Finnish) alleles. This variant has been identified in the homozygous state and/or in conjunction with other ARSA variant(s) in individual(s) with features consistent with metachromatic leukodystrophy; in at least one instance, the variants were identified in trans (Cesani, 2016; Biffi, 2008; Comabella, 2001; Draghia, 1997; Heinisch, 1995; Polten, 1991). Note, this variant is also referred to as c.459+1G>A in the literature. This nucleotide position is highly conserved in available vertebrate species. In silico splice site analysis predicts that this alteration will weaken the native splice donor site. Based on the available evidence, this alteration is classified as pathogenic.

CeGaT Center for Human Genetics Tuebingen
Classification: Pathogenic. Last evaluated: 2026-04-01. Review status: criteria provided, single submitter. Criteria: CeGaT Center For Human Genetics Tuebingen Variant Classification Criteria Version 2. Collection method: clinical testing. Allele origin: germline. Affected: yes. Observed: 15 variant alleles.
Comment: ARSA: PM3:Very Strong, PVS1, PM2

Dasa
Classification: Pathogenic. Last evaluated: 2026-02-25. Review status: criteria provided, single submitter. Criteria: DASA Assertion Criteria. Collection method: clinical testing. Allele origin: germline.
Comment: NM_000487.6(ARSA):c.465+1G>A affects a canonical splice site and is predicted to disrupt normal RNA splicing, leading to loss of normal protein function. Loss-of-function is an established mechanism of disease for this gene. This variant has been recurrently observed in affected individuals with related phenotype in a genotype context consistent with recessive disease (PMID: 1670590; PMID: 28762252; PMID: 26553228; PMID: 26131420). Functional evidence supports a deleterious effect on the gene or gene product (PMID: 1670590; PMID: 28762252; PMID: 26553228; PMID: 26131420). The variant is present at low frequency in population datasets. Based on the available data, this variant is classified as pathogenic.

Labcorp Genetics (formerly Invitae), Labcorp
Classification: Pathogenic for Metachromatic leukodystrophy. Last evaluated: 2026-01-28. Review status: criteria provided, single submitter. Criteria: Invitae Variant Classification Sherloc (09022015). Collection method: clinical testing. Allele origin: germline.
Comment: This sequence change affects a donor splice site in intron 2 of the ARSA gene. It is expected to disrupt RNA splicing. Variants that disrupt the donor or acceptor splice site typically lead to a loss of protein function (PMID: 16199547), and loss-of-function variants in ARSA are known to be pathogenic (PMID: 8962139, 10477432). This variant is present in population databases (rs80338815, gnomAD 0.1%), and has an allele count higher than expected for a pathogenic variant. Disruption of this splice site has been observed in individuals with metachromatic leukodystrophy (PMID: 1670590, 7825603, 9090526, 9600244, 11456299, 18786133, 21167507, 26462614). ClinVar contains an entry for this variant (Variation ID: 3051). Algorithms developed to predict the effect of sequence changes on RNA splicing suggest that this variant may disrupt the consensus splice site. For these reasons, this variant has been classified as Pathogenic.

3billion
Classification: Pathogenic for Metachromatic leukodystrophy. Last evaluated: 2026-01-22. Review status: criteria provided, single submitter. Criteria: ACMG Guidelines, 2015. Collection method: clinical testing. Allele origin: germline. Affected: yes.
Comment: The variant is observed at an extremely low frequency in the gnomAD v4.1.0 dataset (total allele frequency: 0.082%). Predicted Consequence/Location: Canonical splice site: predicted to alter splicing and result in a loss or disruption of normal protein function. Multiple pathogenic loss-of-function variants are reported downstream of the variant. In silico tools predict the variant to alter splicing and produce an abnormal transcript [SpliceAI: 0.84 (spliceogenicity >=0.2]. The variant has been reported at least twice as pathogenic with clinical assertions and evidence for the classification (ClinVar ID: VCV000003051 /PMID: 1670590 /3billion dataset). Therefore, this variant is classified as Pathogenic according to the recommendation of ACMG/AMP guideline.